The following is an entry in ClinVar:

ClinVar aggregate classification (germline): Likely benign. Review status: criteria provided, multiple submitters, no conflicts (2 of 4 stars). 7 submissions from 7 submitters: Likely benign (6). 1 of the submissions does not count toward it. Last evaluated 2026-01-28.

Conditions:
BAG3-related disorder. Also called: BAG3-related condition.
Cardiovascular phenotype. Identifiers: MedGen CN230736.
Dilated cardiomyopathy 1HH (CMD1HH). Identifiers: Orphanet 154, MedGen C3151293, MONDO:0013479, OMIM 613881.
Myofibrillar myopathy 6. Identifiers: Orphanet 199340, MedGen C2751831, MONDO:0013061, OMIM 612954.
Cardiomyopathy (CMYO). Also called: Cardiomyopathies. Identifiers: Orphanet 167848, MedGen C0878544, MONDO:0004994, HP:0001638. Inheritance: Various modes of inheritance.

Allele frequency attached by ClinVar (database versions not stated): TOPMed 0.00006; ESP Exome Variant Server 0.00015; gnomAD 0.00025.
gnomAD v4.1: 247 of 1,614,036 alleles (0.015%); highest among the groups gnomAD compares: Non-Finnish European, 0.017%; no homozygotes.

Submissions (7):

Labcorp Genetics (formerly Invitae), Labcorp
Classification: Likely benign for Dilated cardiomyopathy 1HH; Myofibrillar myopathy 6. Last evaluated: 2026-01-28. Review status: criteria provided, single submitter. Criteria: Invitae Variant Classification Sherloc (09022015). Collection method: clinical testing. Allele origin: germline.

Blueprint Genetics
Classification: Likely benign. Last evaluated: 2024-10-16. Review status: criteria provided, single submitter. Criteria: ACMG Guidelines, 2015. Collection method: clinical testing. Allele origin: germline.

CeGaT Center for Human Genetics Tuebingen
Classification: Likely benign. Last evaluated: 2023-06-01. Review status: criteria provided, single submitter. Criteria: CeGaT Center For Human Genetics Tuebingen Variant Classification Criteria Version 2. Collection method: clinical testing. Allele origin: germline. Affected: yes. Observed: 3 variant alleles.
Comment: BAG3: BP4, BP7

CHEO Genetics Diagnostic Laboratory, Children's Hospital of Eastern Ontario
Classification: Likely benign for Cardiomyopathy. Last evaluated: 2022-10-26. Review status: criteria provided, single submitter. Criteria: ACMG Guidelines, 2015. Collection method: clinical testing. Allele origin: germline.

Ambry Genetics
Classification: Likely benign for Cardiovascular phenotype. Last evaluated: 2020-08-24. Review status: criteria provided, single submitter. Criteria: Ambry Variant Classification Scheme 2023. Collection method: clinical testing. Allele origin: germline.

Laboratory for Molecular Medicine, Mass General Brigham Personalized Medicine
Classification: Likely benign. Last evaluated: 2015-06-25. Review status: criteria provided, single submitter. Criteria: LMM Criteria. Collection method: clinical testing. Allele origin: germline. Observed: 2 variant alleles.
Comment: p.Asn215Asn in exon 03 of BAG3: This variant is not expected to have clinical si gnificance because it does not alter an amino acid residue and is not located wi thin the splice consensus sequence. It has been identified in 18/66106 European chromosomes by the Exome Aggregation Consortium (ExAC; dbSNP rs138078305).

PreventionGenetics, part of Exact Sciences
Classification: Likely benign for BAG3-related condition. Last evaluated: 2020-04-07. Review status: no assertion criteria provided. Collection method: clinical testing. Allele origin: germline. Not counted in ClinVar's aggregate classification.
Comment: This variant is classified as likely benign based on ACMG/AMP sequence variant interpretation guidelines (Richards et al. 2015 PMID: 25741868, with internal and published modifications).

NM_004281.4(BAG3):c.645C>T (p.Asn215=)

Gene: BAG3 (BAG cochaperone 3; plus strand). Cytogenetic location: 10q26.11.
Variant type: single nucleotide variant.
Coding change: c.645C>T on transcript NM_004281.4 (MANE Select); coding-DNA position 645, C replaced by T.
Protein change: p.Asn215=; no amino-acid change (asparagine 215 retained).
Molecular consequence: synonymous variant.
Genome position (GRCh38, 1-based): chr10:119,672,392, C>T. VCF-style: chr10-119672392-C-T. GRCh37 (hg19) VCF-style: chr10-121431904-C-T.
Identifiers: ClinVar variation 178008 (VCV000178008.48), dbSNP rs138078305, ClinGen allele CA181168.
Genomic context (GRCh38, chr10:119,672,392, plus strand): 5'-CCTGGGCAGTCACCAGCTCCCGCGGGGGTACATCTCCATTCCGGTGATACACGAGCAGAA[C>T]GTTACCCGGCCAGCAGCCCAGCCCTCCTTCCACCAAGCCCAGAAGACGCACTACCCAGCG-3'
Protein context (NP_004272.2, residues 205-225): YISIPVIHEQ[Asn215=]VTRPAAQPSF